The following is an entry in ClinVar:

ClinVar aggregate classification (germline): Benign/Likely benign. Review status: criteria provided, multiple submitters, no conflicts (2 of 4 stars). 4 submissions from 4 submitters: Benign (1); Likely benign (3). Last evaluated 2025-06-30.

Conditions:
Hereditary nonpolyposis colorectal neoplasms. Identifiers: MedGen C0009405, MeSH D003123.
Hereditary cancer-predisposing syndrome. Also called: Tumor predisposition; Hereditary Cancer Syndrome; Neoplastic Syndromes, Hereditary; Hereditary neoplastic syndrome. Identifiers: Orphanet 140162, MedGen C0027672, MeSH D009386, MONDO:0015356.
Lynch syndrome 5 (LYNCH5). Also called: Colorectal cancer, hereditary nonpolyposis, type 5; Hereditary non-polyposis colorectal cancer, type 5. Identifiers: Orphanet 144, MedGen C1833477, MONDO:0013710, OMIM 614350. Disease mechanism: loss of function.

Submissions (4):

Color Diagnostics, LLC DBA Color Health
Classification: Likely benign for Hereditary cancer-predisposing syndrome. Last evaluated: 2025-06-30. Review status: criteria provided, single submitter. Criteria: ACMG Guidelines, 2015. Collection method: clinical testing. Allele origin: germline.

Labcorp Genetics (formerly Invitae), Labcorp
Classification: Likely benign for Hereditary nonpolyposis colorectal neoplasms. Last evaluated: 2025-05-04. Review status: criteria provided, single submitter. Criteria: Invitae Variant Classification Sherloc (09022015). Collection method: clinical testing. Allele origin: germline.

Myriad Genetics, Inc.
Classification: Benign for Lynch syndrome 5. Last evaluated: 2025-01-02. Review status: criteria provided, single submitter. Criteria: Myriad Autosomal Dominant, Autosomal Recessive and X-Linked Classification Criteria (2023). Collection method: clinical testing. Allele origin: unknown.
Comment: This variant is considered benign. This variant is a silent/synonymous amino acid change and it is not expected to impact splicing.

Ambry Genetics
Classification: Likely benign for Hereditary cancer-predisposing syndrome. Last evaluated: 2018-05-18. Review status: criteria provided, single submitter. Criteria: Ambry Variant Classification Scheme 2023. Collection method: clinical testing. Allele origin: germline.

NM_000179.3(MSH6):c.2694T>A (p.Pro898=)

Gene: MSH6 (mutS homolog 6; plus strand). Cytogenetic location: 2p16.3.
Variant type: single nucleotide variant.
Coding change: c.2694T>A on transcript NM_000179.3 (MANE Select); coding-DNA position 2694, T replaced by A.
Protein change: p.Pro898=; no amino-acid change (proline 898 retained).
Molecular consequence: synonymous variant.
Genome position (GRCh38, 1-based): chr2:47,800,677, T>A. VCF-style: chr2-47800677-T-A. GRCh37 (hg19) VCF-style: chr2-48027816-T-A.
Other names: c.2304T>A, p.Pro768= (NM_001281492.2); c.1788T>A, p.Pro596= (NM_001281493.2, NM_001281494.2).
Identifiers: ClinVar variation 821680 (VCV000821680.10), dbSNP rs769668106, ClinGen allele CA426122043.